The following is an entry in ClinVar:

ClinVar aggregate classification (germline): Uncertain significance (1 of 4 stars; one submission).

Conditions:
Hereditary cancer-predisposing syndrome. Also called: Tumor predisposition; Neoplastic Syndromes, Hereditary; Hereditary Cancer Syndrome; Hereditary neoplastic syndrome. Identifiers: Orphanet 140162, MedGen C0027672, MeSH D009386, MONDO:0015356.

Submission:

Ambry Genetics
Classification: Uncertain significance for Hereditary cancer-predisposing syndrome. Last evaluated: 2024-12-16. Review status: criteria provided, single submitter. Criteria: Ambry Variant Classification Scheme 2023. Collection method: clinical testing. Allele origin: germline.
Comment: The p.R554S variant (also known as c.1662G>T), located in coding exon 11 of the PDGFRA gene, results from a G to T substitution at nucleotide position 1662. The arginine at codon 554 is replaced by serine, an amino acid with dissimilar properties. This amino acid position is conserved. In addition, this alteration is predicted to be deleterious by in silico analysis. Based on the available evidence, the clinical significance of this variant remains unclear.

NM_006206.6(PDGFRA):c.1662G>T (p.Arg554Ser)

Gene: PDGFRA (platelet derived growth factor receptor alpha; plus strand). Cytogenetic location: 4q12.
Variant type: single nucleotide variant.
Coding change: c.1662G>T on transcript NM_006206.6 (MANE Select); coding-DNA position 1662, G replaced by T.
Protein change: p.Arg554Ser; replaces arginine 554 with serine.
Molecular consequence: missense variant.
Genome position (GRCh38, 1-based): chr4:54,274,849, G>T. VCF-style: chr4-54274849-G-T. GRCh37 (hg19) VCF-style: chr4-55141016-G-T.
Other names: c.1662G>T, p.Arg554Ser (NM_001347827.2, NM_001347829.2); c.1737G>T, p.Arg579Ser (NM_001347828.2); c.1701G>T, p.Arg567Ser (NM_001347830.2); short protein forms R579S, R554S, R567S.
Identifiers: ClinVar variation 3887341 (VCV003887341.1).